The following is an entry in ClinVar:

ClinVar aggregate classification (germline): Conflicting classifications of pathogenicity. Review status: criteria provided, conflicting classifications (1 of 4 stars). 2 submissions from 2 submitters: Uncertain significance (1); Likely benign (1). Last evaluated 2025-08-29.

Conditions:
Angelman syndrome (AS). Also called: HAPPY PUPPET SYNDROME. Identifiers: Orphanet 72, MedGen C0162635, MONDO:0007113, OMIM 105830. Disease mechanism: loss of function. Inheritance: AS is caused by disruption of maternally imprinted UBE3A located within the 15q11.2-q13 Angelman syndrome/Prader-Willi syndrome (AS/PWS) region., imprinting disorder.

Allele frequency attached by ClinVar (database versions not stated): gnomAD exomes 0.00001; TOPMed 0.00001.
gnomAD v4.1: 9 of 1,607,858 alleles (0.00056%); highest among the groups gnomAD compares: Middle Eastern, 0.017%; no homozygotes.

Submissions (2):

Labcorp Genetics (formerly Invitae), Labcorp
Classification: Uncertain significance for Angelman syndrome. Last evaluated: 2025-08-29. Review status: criteria provided, single submitter. Criteria: Invitae Variant Classification Sherloc (09022015). Collection method: clinical testing. Allele origin: germline.
Comment: This sequence change falls in intron 4 of the UBE3A gene. It does not directly change the encoded amino acid sequence of the UBE3A protein. It affects a nucleotide within the consensus splice site. This variant is present in population databases (no rsID available, gnomAD 0.002%). This variant has not been reported in the literature in individuals affected with UBE3A-related conditions. ClinVar contains an entry for this variant (Variation ID: 1186788). Variants that disrupt the consensus splice site are a relatively common cause of aberrant splicing (PMID: 17576681, 9536098). Algorithms developed to predict the effect of sequence changes on RNA splicing suggest that this variant is not likely to affect RNA splicing. In summary, the available evidence is currently insufficient to determine the role of this variant in disease. Therefore, it has been classified as a Variant of Uncertain Significance.

GeneDx
Classification: Likely benign. Last evaluated: 2020-08-05. Review status: criteria provided, single submitter. Criteria: GeneDx Variant Classification Process June 2021. Collection method: clinical testing. Allele origin: germline. Affected: yes.

Literature cited by the submitters: PubMed 17576681 (cited by Labcorp Genetics (formerly Invitae), Labcorp); PubMed 9536098 (cited by Labcorp Genetics (formerly Invitae), Labcorp).

NM_130839.5(UBE3A):c.1754-3T>C

Genes: SNHG14 (small nucleolar RNA host gene 14; plus strand), UBE3A (ubiquitin protein ligase E3A; minus strand). Cytogenetic location: 15q11.2.
Variant type: single nucleotide variant.
Coding change: c.1754-3T>C on transcript NM_130839.5 (MANE Select); 3 bases into the intron before coding-DNA position 1754, T replaced by C.
Molecular consequence: intron variant.
Genome position (GRCh38, 1-based): chr15:25,356,899, A>G on the plus strand (T>C on the coding strand, the complement: UBE3A is on the minus strand). VCF-style: chr15-25356899-A-G. GRCh37 (hg19) VCF-style: chr15-25602046-A-G.
Other names: c.1694-3T>C (NM_001354512.2, NM_001354513.2, NM_001354547.2 and 17 more transcripts); c.1754-3T>C (NM_001354538.2, NM_001354545.2, NM_001354505.1); c.1763-3T>C (NM_000462.5); c.503-3T>C (NM_001354550.2); c.1577-3T>C (NM_001354546.2); c.443-3T>C (NM_001354551.2).
Identifiers: ClinVar variation 1186788 (VCV001186788.8), dbSNP rs1398256620, ClinGen allele CA617085868.